The following is an entry in ClinVar:

ClinVar aggregate classification (germline): Uncertain significance (1 of 4 stars; one submission).

Conditions:
Schaaf-Yang syndrome (SHFYNG). Also called: Arthrogryposis, distal, with hypopituitarism, intellectual disability, and facial anomalies; MAGEL2-related Prader-Willi-like syndrome. Identifiers: Orphanet 398069, MedGen C5575066, MONDO:0014243, OMIM 615547.

Submission:

Dasa
Classification: Uncertain significance for Schaaf-Yang syndrome. Last evaluated: 2026-01-03. Review status: criteria provided, single submitter. Criteria: DASA Assertion Criteria. Collection method: clinical testing. Allele origin: germline.
Comment: NM_019066.5(MAGEL2):c.3146T>C (p.Val1049Ala) is a missense variant that results in the substitution of valine with alanine. This variant is rare in population databases. The currently available literature and clinical evidence are not sufficient to establish a definitive association between this variant and the reported condition. Therefore, this variant is classified as a variant of uncertain significance.

NM_019066.5(MAGEL2):c.3146T>C (p.Val1049Ala)

Gene: MAGEL2 (MAGE family member L2; minus strand). Cytogenetic location: 15q11.2.
Variant type: single nucleotide variant.
Coding change: c.3146T>C on transcript NM_019066.5 (MANE Select); coding-DNA position 3146, T replaced by C.
Protein change: p.Val1049Ala; replaces valine 1049 with alanine.
Molecular consequence: missense variant.
Genome position (GRCh38, 1-based): chr15:23,644,597, A>G on the plus strand (T>C on the coding strand, the complement: MAGEL2 is on the minus strand). VCF-style: chr15-23644597-A-G. GRCh37 (hg19) VCF-style: chr15-23889744-A-G.
Other names: short protein forms V1049A.
Identifiers: ClinVar variation 4883050 (VCV004883050.2).